The following is an entry in ClinVar:

ClinVar aggregate classification (germline): Conflicting classifications of pathogenicity. Review status: criteria provided, conflicting classifications (1 of 4 stars). 7 submissions from 3 submitters: Likely pathogenic (2); Uncertain significance (5). Last evaluated 2025-11-03.

Conditions:
Hereditary cryohydrocytosis with reduced stomatin. Also called: GLUT1 DEFICIENCY SYNDROME WITH PSEUDOHYPERKALEMIA AND HEMOLYSIS; Stomatin-deficient cryohydrocytosis with neurologic defects. Identifiers: Orphanet 168577, MedGen C1837206, MONDO:0012143, OMIM 608885.
Epilepsy, idiopathic generalized, susceptibility to, 12 (EIG12). Identifiers: MedGen C3553859, MONDO:0013919, OMIM 614847.
Dystonia 9 (DYT9). Also called: CHOREOATHETOSIS, KINESIGENIC, WITH EPISODIC ATAXIA AND SPASTICITY. Identifiers: Orphanet 53583, MedGen C1832855, MONDO:0010983, OMIM 601042.
Encephalopathy due to GLUT1 deficiency. Also called: Glucose transporter protein syndrome; GLUT1 deficiency syndrome 1, infantile onset, severe; De Vivo disease; GLUT1 deficiency syndrome 1; Classic Glucose Transporter Type 1 Deficiency Syndrome; GLUCOSE TRANSPORT DEFECT, BLOOD-BRAIN BARRIER. Identifiers: Orphanet 71277, MedGen C4551966, MONDO:0011724, OMIM 606777.
GLUT1 deficiency syndrome 1, autosomal recessive. Identifiers: MedGen C3149117.
Childhood onset GLUT1 deficiency syndrome 2. Also called: GLUT1 deficiency syndrome 2; PxMD-SLC2A1; Paroxysmal exercise-induced dystonia; Exertion-induced paroxysmal dyskinesia; PAROXYSMAL EXERCISE-INDUCED DYSKINESIA WITH OR WITHOUT EPILEPSY AND/OR HEMOLYTIC ANEMIA; PAROXYSMAL EXERTION-INDUCED DYSTONIA WITH OR WITHOUT EPILEPSY AND/OR HEMOLYTIC ANEMIA. Identifiers: Orphanet 98811, MedGen C1842534, MONDO:0012805, OMIM 612126.

gnomAD v4.1: 1 of 1,613,918 alleles (0.000062%); no homozygotes.

Submissions (7):

GeneDx
Classification: Likely pathogenic. Last evaluated: 2025-11-03. Review status: criteria provided, single submitter. Criteria: GeneDx Variant Classification Process June 2021. Collection method: clinical testing. Allele origin: germline. Affected: yes.
Comment: Not observed at significant frequency in large population cohorts (gnomAD); In silico analysis supports that this missense variant has a deleterious effect on protein structure/function; Has not been previously published as pathogenic or benign to our knowledge

Labcorp Genetics (formerly Invitae), Labcorp
Classification: Likely pathogenic for GLUT1 deficiency syndrome 1, autosomal recessive. Last evaluated: 2024-11-16. Review status: criteria provided, single submitter. Criteria: Invitae Variant Classification Sherloc (09022015). Collection method: clinical testing. Allele origin: germline.
Comment: This sequence change replaces glycine, which is neutral and non-polar, with serine, which is neutral and polar, at codon 175 of the SLC2A1 protein (p.Gly175Ser). This variant is not present in population databases (gnomAD no frequency). This missense change has been observed in individuals with clinical features of SLC2A1-related conditions (internal data). ClinVar contains an entry for this variant (Variation ID: 1320581). Invitae Evidence Modeling of protein sequence and biophysical properties (such as structural, functional, and spatial information, amino acid conservation, physicochemical variation, residue mobility, and thermodynamic stability) indicates that this missense variant is expected to disrupt SLC2A1 protein function with a positive predictive value of 95%. In summary, the currently available evidence indicates that the variant is pathogenic, but additional data are needed to prove that conclusively. Therefore, this variant has been classified as Likely Pathogenic.

Genome-Nilou Lab
Classification: Uncertain significance for Epilepsy, idiopathic generalized, susceptibility to, 12. Last evaluated: 2023-04-11. Review status: criteria provided, single submitter. Criteria: ACMG Guidelines, 2015. Collection method: clinical testing. Allele origin: germline. Affected: no.

Genome-Nilou Lab
Classification: Uncertain significance for Dystonia 9. Last evaluated: 2023-04-11. Review status: criteria provided, single submitter. Criteria: ACMG Guidelines, 2015. Collection method: clinical testing. Allele origin: germline. Affected: no.

Genome-Nilou Lab
Classification: Uncertain significance for Encephalopathy due to GLUT1 deficiency. Last evaluated: 2023-04-11. Review status: criteria provided, single submitter. Criteria: ACMG Guidelines, 2015. Collection method: clinical testing. Allele origin: germline. Affected: no.

Genome-Nilou Lab
Classification: Uncertain significance for Childhood onset GLUT1 deficiency syndrome 2. Last evaluated: 2023-04-11. Review status: criteria provided, single submitter. Criteria: ACMG Guidelines, 2015. Collection method: clinical testing. Allele origin: germline. Affected: no.

Genome-Nilou Lab
Classification: Uncertain significance for Hereditary cryohydrocytosis with reduced stomatin. Last evaluated: 2023-04-11. Review status: criteria provided, single submitter. Criteria: ACMG Guidelines, 2015. Collection method: clinical testing. Allele origin: germline. Affected: no.

NM_006516.4(SLC2A1):c.523G>A (p.Gly175Ser)

Gene: SLC2A1 (solute carrier family 2 member 1; minus strand). Cytogenetic location: 1p34.2.
Variant type: single nucleotide variant.
Coding change: c.523G>A on transcript NM_006516.4 (MANE Select); coding-DNA position 523, G replaced by A.
Protein change: p.Gly175Ser; replaces glycine 175 with serine.
Molecular consequence: missense variant.
Genome position (GRCh38, 1-based): chr1:42,930,029, C>T on the plus strand (G>A on the coding strand, the complement: SLC2A1 is on the minus strand). VCF-style: chr1-42930029-C-T. GRCh37 (hg19) VCF-style: chr1-43395700-C-T.
Other names: short protein forms G175S.
Identifiers: ClinVar variation 1320581 (VCV001320581.13), dbSNP rs1085308009, ClinGen allele CA339958923.
Genomic context (GRCh38, chr1:42,930,029, plus strand): 5'-TGAAGATGATGCTCAGCAGCAGGGGCCACAGGTCCTTGTTGCCCATGATGGAGTCCAGGC[C>T]GAACACCTGGGGGAAGCAGGGGCCGTGAGCGCCTCTGCCCTGACCCCCTTTCCCACCCCG-3'
Protein context (NP_006507.2, residues 165-185): VVGILIAQVF[Gly175Ser]LDSIMGNKDL